The following is an entry in ClinVar:

NM_030653.4(DDX11):c.1723A>G (p.Thr575Ala)

Gene: DDX11 (DEAD/H-box helicase 11; plus strand). Cytogenetic location: 12p11.21.
Variant type: single nucleotide variant.
Coding change: c.1723A>G on transcript NM_030653.4 (MANE Select); coding-DNA position 1723, A replaced by G.
Protein change: p.Thr575Ala; replaces threonine 575 with alanine.
Molecular consequence: missense variant.
Genome position (GRCh38, 1-based): chr12:31,096,951, A>G. VCF-style: chr12-31096951-A-G. GRCh37 (hg19) VCF-style: chr12-31249885-A-G.
Other names: c.1723A>G, p.Thr575Ala (NM_001257144.2, NM_004399.3, NM_152438.2); c.1645A>G, p.Thr549Ala (NM_001257145.2); short protein forms T549A, T575A.
Identifiers: ClinVar variation 1707784 (VCV001707784.3), dbSNP rs578019303, ClinGen allele CA6501464.

ClinVar aggregate classification (germline): Uncertain significance (1 of 4 stars; one submission).

Allele frequency attached by ClinVar (database versions not stated): gnomAD 0.00007; gnomAD exomes 0.00001; ExAC 0.00003; 1000 Genomes Project 30x 0.00016; 1000 Genomes Project 0.00020; TOPMed 0.00006.
gnomAD v4.1: 30 of 1,613,972 alleles (0.0019%); highest among the groups gnomAD compares: Admixed American, 0.035%; no homozygotes.

Submission:

GeneDx
Classification: Uncertain significance. Last evaluated: 2023-06-12. Review status: criteria provided, single submitter. Criteria: GeneDx Variant Classification Process June 2021. Collection method: clinical testing. Allele origin: germline.
Comment: In silico analysis supports that this missense variant does not alter protein structure/function; Has not been previously published as pathogenic or benign to our knowledge